The following is an entry in ClinVar:

NM_002900.3(RBP3):c.3715C>T (p.Arg1239Trp)

Gene: RBP3 (retinol binding protein 3; plus strand). Cytogenetic location: 10q11.22.
Variant type: single nucleotide variant.
Coding change: c.3715C>T on transcript NM_002900.3 (MANE Select); coding-DNA position 3715, C replaced by T.
Protein change: p.Arg1239Trp; replaces arginine 1239 with tryptophan.
Molecular consequence: missense variant.
Genome position (GRCh38, 1-based): chr10:47,357,428, C>T. VCF-style: chr10-47357428-C-T. GRCh37 (hg19) VCF-style: chr10-48381934-G-A.
Other names: short protein forms R1239W.
Identifiers: ClinVar variation 935956 (VCV000935956.10), dbSNP rs111792211, ClinGen allele CA5486982.
Genomic context (GRCh38, chr10:47,357,428, plus strand): 5'-GCAGAAGAGGCTCTCGCCAGGGCCAAGGAGATGCTCCAGCACAACCAGCTGAGGGTGAAG[C>T]GGAGCCCAGGCCTGCAGGACCACCTGTAGGGAAGGGCCCCATAGGCAGAGCCCCAGGGCA-3'
Protein context (NP_002891.1, residues 1229-1247): MLQHNQLRVK[Arg1239Trp]SPGLQDHL

ClinVar aggregate classification (germline): Uncertain significance. Review status: criteria provided, multiple submitters, no conflicts (2 of 4 stars). 2 submissions from 2 submitters: Uncertain significance (2). Last evaluated 2024-02-05.

Allele frequency attached by ClinVar (database versions not stated): gnomAD 0.00001 and 0.00003; gnomAD exomes 0.00002 and 0.00004; TOPMed 0.00002; ExAC 0.00004; 1000 Genomes Project 30x 0.00016; 1000 Genomes Project 0.00020.
gnomAD v4.1: 69 of 1,613,388 alleles (0.0043%); highest among the groups gnomAD compares: South Asian, 0.0055%; no homozygotes.

Submissions (2):

Labcorp Genetics (formerly Invitae), Labcorp
Classification: Uncertain significance. Last evaluated: 2024-02-05. Review status: criteria provided, single submitter. Criteria: Invitae Variant Classification Sherloc (09022015). Collection method: clinical testing. Allele origin: germline.
Comment: This sequence change replaces arginine, which is basic and polar, with tryptophan, which is neutral and slightly polar, at codon 1239 of the RBP3 protein (p.Arg1239Trp). This variant is present in population databases (rs111792211, gnomAD 0.004%). This variant has not been reported in the literature in individuals affected with RBP3-related conditions. ClinVar contains an entry for this variant (Variation ID: 935956). Algorithms developed to predict the effect of missense changes on protein structure and function output the following: SIFT: "Not Available"; PolyPhen-2: "Possibly Damaging"; Align-GVGD: "Not Available". The tryptophan amino acid residue is found in multiple mammalian species, which suggests that this missense change does not adversely affect protein function. In summary, the available evidence is currently insufficient to determine the role of this variant in disease. Therefore, it has been classified as a Variant of Uncertain Significance.

Blueprint Genetics
Classification: Uncertain significance. Last evaluated: 2023-01-13. Review status: criteria provided, single submitter. Criteria: ACMG Guidelines, 2015. Collection method: clinical testing. Allele origin: germline.